The following is an entry in ClinVar:

NM_000099.4(CST3):c.267C>G (p.Phe89Leu)

Gene: CST3 (cystatin C; minus strand). Cytogenetic location: 20p11.21.
Variant type: single nucleotide variant.
Coding change: c.267C>G on transcript NM_000099.4 (MANE Select); coding-DNA position 267, C replaced by G.
Protein change: p.Phe89Leu; replaces phenylalanine 89 with leucine.
Molecular consequence: missense variant.
Genome position (GRCh38, 1-based): chr20:23,635,344, G>C on the plus strand (C>G on the coding strand, the complement: CST3 is on the minus strand). VCF-style: chr20-23635344-G-C. GRCh37 (hg19) VCF-style: chr20-23615981-G-C.
Other names: c.267C>G, p.Phe89Leu (NM_001288614.2); short protein forms F89L.
Identifiers: ClinVar variation 2977182 (VCV002977182.3), dbSNP rs1165519887, ClinGen allele CA408423974.

ClinVar aggregate classification (germline): Uncertain significance (1 of 4 stars; one submission).

Allele frequency attached by ClinVar (database versions not stated): TOPMed 0.00001; gnomAD 0.00002.
gnomAD v4.1: 15 of 1,584,470 alleles (0.00095%); highest among the groups gnomAD compares: African/African-American, 0.0045%; no homozygotes.

Submission:

Labcorp Genetics (formerly Invitae), Labcorp
Classification: Uncertain significance. Last evaluated: 2023-11-24. Review status: criteria provided, single submitter. Criteria: Invitae Variant Classification Sherloc (09022015). Collection method: clinical testing. Allele origin: germline.
Comment: This sequence change replaces phenylalanine, which is neutral and non-polar, with leucine, which is neutral and non-polar, at codon 89 of the CST3 protein (p.Phe89Leu). The frequency data for this variant in the population databases is considered unreliable, as metrics indicate poor data quality at this position in the gnomAD database. This variant has not been reported in the literature in individuals affected with CST3-related conditions. Algorithms developed to predict the effect of missense changes on protein structure and function output the following: SIFT: "Not Available"; PolyPhen-2: "Benign"; Align-GVGD: "Not Available". The leucine amino acid residue is found in multiple mammalian species, which suggests that this missense change does not adversely affect protein function. In summary, the available evidence is currently insufficient to determine the role of this variant in disease. Therefore, it has been classified as a Variant of Uncertain Significance.